The following is an entry in ClinVar:

ClinVar aggregate classification (germline): Uncertain significance. Review status: criteria provided, multiple submitters, no conflicts (2 of 4 stars). 2 submissions from 2 submitters: Uncertain significance (2). Last evaluated 2026-01-19.

Conditions:
Hypertrophic cardiomyopathy 14. Identifiers: MedGen C2750467, MONDO:0013197, OMIM 613251.

Allele frequency attached by ClinVar (database versions not stated): gnomAD exomes below 0.00001 and 0.00001; ExAC 0.00002.
gnomAD v4.1: 2 of 1,614,224 alleles (0.00012%); highest among the groups gnomAD compares: South Asian, 0.0011%; no homozygotes.

Submissions (2):

Labcorp Genetics (formerly Invitae), Labcorp
Classification: Uncertain significance for Hypertrophic cardiomyopathy 14. Last evaluated: 2026-01-19. Review status: criteria provided, single submitter. Criteria: Invitae Variant Classification Sherloc (09022015). Collection method: clinical testing. Allele origin: germline.
Comment: This sequence change creates a premature translational stop signal (p.Gln420*) in the MYH6 gene. It is expected to result in an absent or disrupted protein product. However, the current clinical and genetic evidence is not sufficient to establish whether loss-of-function variants in MYH6 cause disease. This variant is present in population databases (rs773659892, gnomAD 0.003%). This variant has not been reported in the literature in individuals affected with MYH6-related conditions. ClinVar contains an entry for this variant (Variation ID: 1352254). In summary, the available evidence is currently insufficient to determine the role of this variant in disease. Therefore, it has been classified as a Variant of Uncertain Significance.

Revvity Omics, Revvity
Classification: Uncertain significance. Last evaluated: 2020-12-01. Review status: criteria provided, single submitter. Criteria: ACMG Guidelines, 2015. Collection method: clinical testing. Allele origin: germline.

NM_002471.4(MYH6):c.1258C>T (p.Gln420Ter)

Gene: MYH6 (myosin heavy chain 6; minus strand). Cytogenetic location: 14q11.2.
Variant type: single nucleotide variant.
Coding change: c.1258C>T on transcript NM_002471.4 (MANE Select); coding-DNA position 1258, C replaced by T.
Protein change: p.Gln420Ter; replaces glutamine 420 with a stop codon.
Molecular consequence: nonsense.
Genome position (GRCh38, 1-based): chr14:23,400,861, G>A on the plus strand (C>T on the coding strand, the complement: MYH6 is on the minus strand). VCF-style: chr14-23400861-G-A. GRCh37 (hg19) VCF-style: chr14-23870070-G-A.
Other names: c.1258C>T (NM_002471.3); short protein forms Q420*.
Identifiers: ClinVar variation 1352254 (VCV001352254.8), dbSNP rs773659892, ClinGen allele CA7115849.
Genomic context (GRCh38, chr14:23,400,861, plus strand): 5'-TCCAGTTGAACATCTTCTCATACACTGCCTTGGCCAGAGCCCCGATGGAGTAGTACACCT[G>A]CTGCACGCTCTGCCCCTTGGTGACATACTCGTTGCCCACTTTCACCCGAGGGTGGCACAG-3'